The following is an entry in ClinVar:

NM_001144967.3(NEDD4L):c.1505G>A (p.Gly502Asp)

Gene: NEDD4L (NEDD4 like E3 ubiquitin protein ligase; plus strand). Cytogenetic location: 18q21.31.
Variant type: single nucleotide variant.
Coding change: c.1505G>A on transcript NM_001144967.3 (MANE Select); coding-DNA position 1505, G replaced by A.
Protein change: p.Gly502Asp; replaces glycine 502 with aspartic acid.
Molecular consequence: missense variant.
Genome position (GRCh38, 1-based): chr18:58,343,033, G>A. VCF-style: chr18-58343033-G-A. GRCh37 (hg19) VCF-style: chr18-56010265-G-A.
Other names: c.1142G>A, p.Gly381Asp (NM_001144964.1, NM_001144965.2, NM_001144966.3); c.1481G>A, p.Gly494Asp (NM_001144968.2); c.1421G>A, p.Gly474Asp (NM_001144969.2); c.1082G>A, p.Gly361Asp (NM_001144970.3, NM_001144971.2); c.1313G>A, p.Gly438Asp (NM_001243960.2); c.1445G>A, p.Gly482Asp (NM_015277.6); short protein forms G502D, G474D, G482D, G494D, G361D, G381D, G438D.
Identifiers: ClinVar variation 849833 (VCV000849833.9), dbSNP rs1463349898, ClinGen allele CA402537456.

ClinVar aggregate classification (germline): Uncertain significance (1 of 4 stars; one submission).

Allele frequency attached by ClinVar (database versions not stated): gnomAD 0.00001; TOPMed 0.00001.
gnomAD v4.1: 1 of 1,613,288 alleles (0.000062%); highest among the groups gnomAD compares: Admixed American, 0.0017%; no homozygotes.

Submission:

Labcorp Genetics (formerly Invitae), Labcorp
Classification: Uncertain significance. Last evaluated: 2025-12-24. Review status: criteria provided, single submitter. Criteria: Invitae Variant Classification Sherloc (09022015). Collection method: clinical testing. Allele origin: germline.
Comment: This sequence change replaces glycine, which is neutral and non-polar, with aspartic acid, which is acidic and polar, at codon 482 of the NEDD4L protein (p.Gly482Asp). This variant is not present in population databases (gnomAD no frequency). This variant has not been reported in the literature in individuals affected with NEDD4L-related conditions. ClinVar contains an entry for this variant (Variation ID: 849833). Invitae Evidence Modeling of protein sequence and biophysical properties (such as structural, functional, and spatial information, amino acid conservation, physicochemical variation, residue mobility, and thermodynamic stability) indicates that this missense variant is not expected to disrupt NEDD4L protein function with a negative predictive value of 80%. In summary, the available evidence is currently insufficient to determine the role of this variant in disease. Therefore, it has been classified as a Variant of Uncertain Significance.